The following is an entry in ClinVar:

ClinVar aggregate classification (germline): Uncertain significance. Review status: criteria provided, multiple submitters, no conflicts (2 of 4 stars). 2 submissions from 2 submitters: Uncertain significance (2). Last evaluated 2025-10-01.

Allele frequency attached by ClinVar (database versions not stated): ExAC 0.00046.
gnomAD v4.1: 12 of 1,343,062 alleles (0.00089%); highest among the groups gnomAD compares: Admixed American, 0.007%; no homozygotes.

Submissions (2):

Ambry Genetics
Classification: Uncertain significance. Last evaluated: 2025-10-01. Review status: criteria provided, single submitter. Criteria: Ambry Variant Classification Scheme 2023. Collection method: clinical testing. Allele origin: germline.

Labcorp Genetics (formerly Invitae), Labcorp
Classification: Uncertain significance. Last evaluated: 2022-07-18. Review status: criteria provided, single submitter. Criteria: Invitae Variant Classification Sherloc (09022015). Collection method: clinical testing. Allele origin: germline.
Comment: In summary, the available evidence is currently insufficient to determine the role of this variant in disease. Therefore, it has been classified as a Variant of Uncertain Significance. Algorithms developed to predict the effect of missense changes on protein structure and function output the following: SIFT: "Tolerated"; PolyPhen-2: "Not Available"; Align-GVGD: "Class C0". The valine amino acid residue is found in multiple mammalian species, which suggests that this missense change does not adversely affect protein function. This variant has not been reported in the literature in individuals affected with TRAP1-related conditions. The frequency data for this variant in the population databases is considered unreliable, as metrics indicate poor data quality at this position in the gnomAD database. This sequence change replaces alanine, which is neutral and non-polar, with valine, which is neutral and non-polar, at codon 7 of the TRAP1 protein (p.Ala7Val).

NM_016292.3(TRAP1):c.20C>T (p.Ala7Val)

Genes: TRAP1 (TNF receptor associated protein 1; minus strand), LOC130058352 (ATAC-STARR-seq lymphoblastoid silent region 7139; plus strand). Cytogenetic location: 16p13.3.
Variant type: single nucleotide variant.
Coding change: c.20C>T on transcript NM_016292.3 (MANE Select); coding-DNA position 20, C replaced by T.
Protein change: p.Ala7Val; replaces alanine 7 with valine.
Molecular consequence: missense variant.
Genome position (GRCh38, 1-based): chr16:3,717,489, G>A on the plus strand (C>T on the coding strand, the complement: TRAP1 is on the minus strand). VCF-style: chr16-3717489-G-A. GRCh37 (hg19) VCF-style: chr16-3767490-G-A.
Other names: c.20C>T, p.Ala7Val (NM_001272049.2); short protein forms A7V.
Identifiers: ClinVar variation 1909805 (VCV001909805.7), dbSNP rs768521031, ClinGen allele CA7868886.